The following is an entry in ClinVar:

ClinVar aggregate classification (germline): Likely benign (1 of 4 stars; one submission).

Allele frequency attached by ClinVar (database versions not stated): gnomAD exomes below 0.00001.
gnomAD v4.1: 1 of 1,609,586 alleles (0.000062%); highest among the groups gnomAD compares: Non-Finnish European, 0.000085%; no homozygotes.

Submission:

GeneDx
Classification: Likely benign. Last evaluated: 2016-06-14. Review status: criteria provided, single submitter. Criteria: GeneDx Variant Classification (06012015). Collection method: clinical testing. Allele origin: germline. Affected: yes.
Comment: This variant is considered likely benign or benign based on one or more of the following criteria: it is a conservative change, it occurs at a poorly conserved position in the protein, it is predicted to be benign by multiple in silico algorithms, and/or has population frequency not consistent with disease.

NM_020822.3(KCNT1):c.2350-17C>G

Gene: KCNT1 (potassium sodium-activated channel subfamily T member 1; plus strand). Cytogenetic location: 9q34.3.
Variant type: single nucleotide variant.
Coding change: c.2350-17C>G on transcript NM_020822.3 (MANE Select); 17 bases into the intron before coding-DNA position 2350, C replaced by G.
Molecular consequence: intron variant.
Genome position (GRCh38, 1-based): chr9:135,777,321, C>G. VCF-style: chr9-135777321-C-G. GRCh37 (hg19) VCF-style: chr9-138669167-C-G.
Other names: c.2215-17C>G (NM_001272003.2).
Identifiers: ClinVar variation 386854 (VCV000386854.1), dbSNP rs1057522624, ClinGen allele CA16605454.
Genomic context (GRCh38, chr9:135,777,321, plus strand): 5'-AGGGGTCTGGGAGGGCTCCAGTGGCCAGCAGGAACCACAGCCCTGACTCCAGCCCTGACT[C>G]CAGCATCTGCCCCCAGGGCTGCAAGCACAACAGCTATGAAGACGCCAAGGCCTACGGGTT-3'